The following is an entry in ClinVar:

NM_032043.3(BRIP1):c.2336T>A (p.Val779Asp)

Gene: BRIP1 (BRCA1 interacting DNA helicase 1; minus strand). Cytogenetic location: 17q23.2.
Variant type: single nucleotide variant.
Coding change: c.2336T>A on transcript NM_032043.3 (MANE Select); coding-DNA position 2336, T replaced by A.
Protein change: p.Val779Asp; replaces valine 779 with aspartic acid.
Molecular consequence: missense variant.
Genome position (GRCh38, 1-based): chr17:61,743,056, A>T on the plus strand (T>A on the coding strand, the complement: BRIP1 is on the minus strand). VCF-style: chr17-61743056-A-T. GRCh37 (hg19) VCF-style: chr17-59820417-A-T.
Other names: short protein forms V779D.
Identifiers: ClinVar variation 567067 (VCV000567067.9), dbSNP rs1567779485, ClinGen allele CA400482607.

ClinVar aggregate classification (germline): Uncertain significance (1 of 4 stars; one submission).

Conditions:
Fanconi anemia complementation group J. Also called: BRIP1-Related Fanconi Anemia. Identifiers: Orphanet 84, MedGen C1836860, MONDO:0012187, OMIM 609054.
Familial cancer of breast. Also called: Hereditary breast cancer; BREAST CANCER, FAMILIAL; hereditary breast carcinoma. Identifiers: Orphanet 227535, MedGen C0346153, MONDO:0016419, OMIM 114480. Disease mechanism: loss of function.

Submission:

Labcorp Genetics (formerly Invitae), Labcorp
Classification: Uncertain significance for Familial cancer of breast; Fanconi anemia complementation group J. Last evaluated: 2018-02-28. Review status: criteria provided, single submitter. Criteria: Invitae Variant Classification Sherloc (09022015). Collection method: clinical testing. Allele origin: germline.
Comment: In summary, the available evidence is currently insufficient to determine the role of this variant in disease. Therefore, it has been classified as a Variant of Uncertain Significance. Algorithms developed to predict the effect of missense changes on protein structure and function (SIFT, PolyPhen-2, Align-GVGD) all suggest that this variant is likely to be disruptive, but these predictions have not been confirmed by published functional studies and their clinical significance is uncertain. This variant has not been reported in the literature in individuals with BRIP1-related disease. This variant is not present in population databases (ExAC no frequency). This sequence change replaces valine with aspartic acid at codon 779 of the BRIP1 protein (p.Val779Asp). The valine residue is highly conserved and there is a large physicochemical difference between valine and aspartic acid.